The following is an entry in ClinVar:

NM_203408.4(FAM47A):c.674C>T (p.Pro225Leu)

Gene: FAM47A (family with sequence similarity 47 member A; minus strand). Cytogenetic location: Xp21.1.
Variant type: single nucleotide variant.
Coding change: c.674C>T on transcript NM_203408.4 (MANE Select); coding-DNA position 674, C replaced by T.
Protein change: p.Pro225Leu; replaces proline 225 with leucine.
Molecular consequence: missense variant.
Genome position (GRCh38, 1-based): chrX:34,131,605, G>A on the plus strand (C>T on the coding strand, the complement: FAM47A is on the minus strand). VCF-style: chrX-34131605-G-A. GRCh37 (hg19) VCF-style: chrX-34149722-G-A.
Other names: short protein forms P225L.
Identifiers: ClinVar variation 2262223 (VCV002262223.26), dbSNP rs201141025, ClinGen allele CA10380626.

ClinVar aggregate classification (germline): Conflicting classifications of pathogenicity. Review status: criteria provided, conflicting classifications (1 of 4 stars). 2 submissions from 2 submitters: Uncertain significance (1); Likely benign (1). Last evaluated 2023-03-01.

Allele frequency attached by ClinVar (database versions not stated): TOPMed 0.00063; 1000 Genomes Project 30x 0.00083.
gnomAD v4.1: 208 of 1,205,215 alleles (0.017%); highest among the groups gnomAD compares: African/African-American, 0.19%; 2 homozygotes.

Submissions (2):

CeGaT Center for Human Genetics Tuebingen
Classification: Likely benign. Last evaluated: 2023-03-01. Review status: criteria provided, single submitter. Criteria: CeGaT Center For Human Genetics Tuebingen Variant Classification Criteria Version 2. Collection method: clinical testing. Allele origin: germline. Affected: yes. Observed: 2 variant alleles.
Comment: FAM47A: BP4, BS2

Ambry Genetics
Classification: Uncertain significance. Last evaluated: 2021-10-26. Review status: criteria provided, single submitter. Criteria: Ambry Variant Classification Scheme 2023. Collection method: clinical testing. Allele origin: germline.